The following is an entry in ClinVar:

NM_002691.4(POLD1):c.1687-3C>G

Gene: POLD1 (DNA polymerase delta 1, catalytic subunit; plus strand). Cytogenetic location: 19q13.33.
Variant type: single nucleotide variant.
Coding change: c.1687-3C>G on transcript NM_002691.4 (MANE Select); 3 bases into the intron before coding-DNA position 1687, C replaced by G.
Molecular consequence: intron variant.
Genome position (GRCh38, 1-based): chr19:50,407,324, C>G. VCF-style: chr19-50407324-C-G. GRCh37 (hg19) VCF-style: chr19-50910581-C-G.
Other names: c.1687-3C>G (NM_001256849.1, NM_001308632.1).
Identifiers: ClinVar variation 2760512 (VCV002760512.3), dbSNP rs878854525, ClinGen allele CA2586570169.

ClinVar aggregate classification (germline): Uncertain significance (1 of 4 stars; one submission).

Conditions:
POLD1-related polyposis and colorectal cancer syndrome (CRCS10). Also called: Colorectal cancer 10; Colorectal cancer, susceptibility to, 10; COLORECTAL CANCER, SUSCEPTIBILITY TO, ON CHROMOSOME 19q. Identifiers: Orphanet 220460, MedGen C2675481, MONDO:0012953, OMIM 612591.

gnomAD v4.1: 1 of 1,611,430 alleles (0.000062%); highest among the groups gnomAD compares: Non-Finnish European, 0.000085%; no homozygotes.

Submission:

Labcorp Genetics (formerly Invitae), Labcorp
Classification: Uncertain significance for POLD1-related polyposis and colorectal cancer syndrome. Last evaluated: 2023-09-13. Review status: criteria provided, single submitter. Criteria: Invitae Variant Classification Sherloc (09022015). Collection method: clinical testing. Allele origin: germline.
Comment: In summary, the available evidence is currently insufficient to determine the role of this variant in disease. Therefore, it has been classified as a Variant of Uncertain Significance. Variants that disrupt the consensus splice site are a relatively common cause of aberrant splicing (PMID: 17576681, 9536098). Algorithms developed to predict the effect of sequence changes on RNA splicing suggest that this variant is not likely to affect RNA splicing. This variant has not been reported in the literature in individuals affected with POLD1-related conditions. This variant is not present in population databases (gnomAD no frequency). This sequence change falls in intron 13 of the POLD1 gene. It does not directly change the encoded amino acid sequence of the POLD1 protein. It affects a nucleotide within the consensus splice site.

Literature cited by the submitters: PubMed 17576681; PubMed 9536098.